The following is an entry in ClinVar:

ClinVar aggregate classification (germline): Likely pathogenic (1 of 4 stars; one submission).

Conditions:
Progressive sclerosing poliodystrophy (MTDPS4A). Also called: Alpers-Huttenlocher Syndrome (AHS); Alpers Syndrome; ALPERS PROGRESSIVE INFANTILE POLIODYSTROPHY; Mitochondrial DNA depletion syndrome 4A (Alpers type); ALPERS DIFFUSE DEGENERATION OF CEREBRAL GRAY MATTER WITH HEPATIC CIRRHOSIS; Alpers-Huttenlocher Syndrome. Identifiers: Orphanet 726, MedGen C0205710, MONDO:0008758, OMIM 203700.

gnomAD v4.1: 4 of 1,614,130 alleles (0.00025%); highest among the groups gnomAD compares: South Asian, 0.0044%; no homozygotes.

Submission:

Wong Mito Lab, Molecular and Human Genetics, Baylor College of Medicine
Classification: Likely pathogenic for Progressive sclerosing poliodystrophy. Last evaluated: 2018-10-01. Review status: criteria provided, single submitter. Criteria: ACMG Guidelines, 2015. Collection method: clinical testing. Allele origin: germline.
Comment: The NM_002693.2:c.3242G>C (NP_002684.1:p.Arg1081Pro) [GRCH38: NC_000015.10:g.89318962C>G] variant in POLG gene is interpretated to be a Likely Pathogenic based on ACMG guidelines (PMID: 25741868). This variant meets the following evidence codes reported in the ACMG-guideline. PM2:This variant is absent in key population databases. PM3:Detected in trans with a pathogenic variant for Mitochondrial DNA depletion syndrome 4A (Alpers type) which is a recessive disorder. PP1:This variant is co-segregated with Mitochondrial DNA depletion syndrome 4A (Alpers type) in multiple affected family members. PP2:This is a missense variant in POLG with a low rate of benign and high rate of pathogenic missense variations. PP4:Patient's phenotype or family history is highly specific for POLG. Based on the evidence criteria codes applied, the variant is suggested to be Likely Pathogenic.

NM_002693.3(POLG):c.3242G>C (p.Arg1081Pro)

Gene: POLG (DNA polymerase gamma, catalytic subunit; minus strand). Cytogenetic location: 15q26.1.
Variant type: single nucleotide variant.
Coding change: c.3242G>C on transcript NM_002693.3 (MANE Select); coding-DNA position 3242, G replaced by C.
Protein change: p.Arg1081Pro; replaces arginine 1081 with proline.
Molecular consequence: missense variant.
Genome position (GRCh38, 1-based): chr15:89,318,962, C>G on the plus strand (G>C on the coding strand, the complement: POLG is on the minus strand). VCF-style: chr15-89318962-C-G. GRCh37 (hg19) VCF-style: chr15-89862193-C-G.
Other names: c.3242G>C, p.Arg1081Pro (NM_001126131.2); short protein forms R1081P.
Identifiers: ClinVar variation 619430 (VCV000619430.1), dbSNP rs140079523, ClinGen allele CA10602264.